The following is an entry in ClinVar:

ClinVar aggregate classification (germline): Uncertain significance (1 of 4 stars; one submission).

Conditions:
Familial thoracic aortic aneurysm and aortic dissection (TAAD). Also called: Thoracic aortic aneurysms and dissections. Identifiers: Orphanet 91387, MedGen C4707243, MONDO:0019625.

Submission:

Ambry Genetics
Classification: Uncertain significance for Familial thoracic aortic aneurysm and aortic dissection. Last evaluated: 2026-07-07. Review status: criteria provided, single submitter. Criteria: Ambry Variant Classification Scheme 2023. Collection method: clinical testing. Allele origin: germline.
Comment: The p.G2798R variant (also known as c.8392G>A), located in coding exon 65 of the FBN1 gene, results from a G to A substitution at nucleotide position 8392. The glycine at codon 2798 is replaced by arginine, an amino acid with dissimilar properties. This amino acid position is conserved. In addition, this alteration is predicted to be deleterious by in silico analysis. Based on the available evidence, the clinical significance of this variant remains unclear.

NM_000138.5(FBN1):c.8392G>A (p.Gly2798Arg)

Gene: FBN1 (fibrillin 1; minus strand). Cytogenetic location: 15q21.1.
Variant type: single nucleotide variant.
Coding change: c.8392G>A on transcript NM_000138.5 (MANE Select); coding-DNA position 8392, G replaced by A.
Protein change: p.Gly2798Arg; replaces glycine 2798 with arginine.
Molecular consequence: missense variant.
Genome position (GRCh38, 1-based): chr15:48,411,214, C>T on the plus strand (G>A on the coding strand, the complement: FBN1 is on the minus strand). VCF-style: chr15-48411214-C-T. GRCh37 (hg19) VCF-style: chr15-48703411-C-T.
Other names: c.8392G>A, p.Gly2798Arg (NM_001406716.1); short protein forms G2798R.
Identifiers: ClinVar variation 5021583 (VCV005021583.1).